The following is an entry in ClinVar:

ClinVar aggregate classification (germline): Uncertain significance. Review status: criteria provided, multiple submitters, no conflicts (2 of 4 stars). 2 submissions from 2 submitters: Uncertain significance (2). Last evaluated 2023-12-16.

Conditions:
Hereditary cancer-predisposing syndrome. Also called: Hereditary Cancer Syndrome; Tumor predisposition; Neoplastic Syndromes, Hereditary; Hereditary neoplastic syndrome. Identifiers: Orphanet 140162, MedGen C0027672, MeSH D009386, MONDO:0015356.

Submissions (2):

Labcorp Genetics (formerly Invitae), Labcorp
Classification: Uncertain significance. Last evaluated: 2023-12-16. Review status: criteria provided, single submitter. Criteria: Invitae Variant Classification Sherloc (09022015). Collection method: clinical testing. Allele origin: germline.
Comment: This sequence change replaces lysine, which is basic and polar, with arginine, which is basic and polar, at codon 50 of the CTNNA1 protein (p.Lys50Arg). This variant is not present in population databases (gnomAD no frequency). This variant has not been reported in the literature in individuals affected with CTNNA1-related conditions. ClinVar contains an entry for this variant (Variation ID: 1015837). Advanced modeling of protein sequence and biophysical properties (such as structural, functional, and spatial information, amino acid conservation, physicochemical variation, residue mobility, and thermodynamic stability) performed at Invitae indicates that this missense variant is not expected to disrupt CTNNA1 protein function with a negative predictive value of 80%. In summary, the available evidence is currently insufficient to determine the role of this variant in disease. Therefore, it has been classified as a Variant of Uncertain Significance.

Ambry Genetics
Classification: Uncertain significance for Hereditary cancer-predisposing syndrome. Last evaluated: 2023-06-02. Review status: criteria provided, single submitter. Criteria: Ambry Variant Classification Scheme 2023. Collection method: clinical testing. Allele origin: germline.
Comment: The p.K50R variant (also known as c.149A>G), located in coding exon 2 of the CTNNA1 gene, results from an A to G substitution at nucleotide position 149. The lysine at codon 50 is replaced by arginine, an amino acid with highly similar properties. This amino acid position is highly conserved in available vertebrate species. In addition, this alteration is predicted to be tolerated by in silico analysis. The evidence for this gene-disease relationship is limited; therefore, the clinical significance of this alteration is unclear.

NM_001903.5(CTNNA1):c.149A>G (p.Lys50Arg)

Gene: CTNNA1 (catenin alpha 1; plus strand). Cytogenetic location: 5q31.2.
Variant type: single nucleotide variant.
Coding change: c.149A>G on transcript NM_001903.5 (MANE Select); coding-DNA position 149, A replaced by G.
Protein change: p.Lys50Arg; replaces lysine 50 with arginine.
Molecular consequence: missense variant. On other transcripts: 5 prime UTR variant (1), intron variant (1).
Genome position (GRCh38, 1-based): chr5:138,783,220, A>G. VCF-style: chr5-138783220-A-G. GRCh37 (hg19) VCF-style: chr5-138118909-A-G.
Other names: c.149A>G (NM_001903.2); c.149A>G, p.Lys50Arg (NM_001290307.3, NM_001323982.2, NM_001323983.1 and 3 more transcripts); c.-58A>G (NM_001290310.3); c.-9+1191A>G (NM_001290309.3); short protein forms K50R.
Identifiers: ClinVar variation 1015837 (VCV001015837.8), dbSNP rs1755328184, ClinGen allele CA361477352.